The following is an entry in ClinVar:

NM_001127208.3(TET2):c.2631T>A (p.Asp877Glu)

Genes: TET2 (tet methylcytosine dioxygenase 2; plus strand), TET2-AS1 (TET2 antisense RNA 1; minus strand). Cytogenetic location: 4q24.
Variant type: single nucleotide variant.
Coding change: c.2631T>A on transcript NM_001127208.3 (MANE Select); coding-DNA position 2631, T replaced by A.
Protein change: p.Asp877Glu; replaces aspartic acid 877 with glutamic acid.
Molecular consequence: missense variant.
Genome position (GRCh38, 1-based): chr4:105,236,573, T>A. VCF-style: chr4-105236573-T-A. GRCh37 (hg19) VCF-style: chr4-106157730-T-A.
Other names: c.2631T>A, p.Asp877Glu (NM_017628.4); short protein forms D877E.
Identifiers: ClinVar variation 3711778 (VCV003711778.3).

ClinVar aggregate classification (germline): Uncertain significance. Review status: criteria provided, multiple submitters, no conflicts (2 of 4 stars). 2 submissions from 2 submitters: Uncertain significance (2). Last evaluated 2025-06-18.

gnomAD v4.1: 18 of 1,614,004 alleles (0.0011%); highest among the groups gnomAD compares: Admixed American, 0.0083%; no homozygotes.

Submissions (2):

Ambry Genetics
Classification: Uncertain significance. Last evaluated: 2025-06-18. Review status: criteria provided, single submitter. Criteria: Ambry Variant Classification Scheme 2023. Collection method: clinical testing. Allele origin: germline.

Labcorp Genetics (formerly Invitae), Labcorp
Classification: Uncertain significance. Last evaluated: 2024-03-22. Review status: criteria provided, single submitter. Criteria: Invitae Variant Classification Sherloc (09022015). Collection method: clinical testing. Allele origin: germline.
Comment: This sequence change replaces aspartic acid, which is acidic and polar, with glutamic acid, which is acidic and polar, at codon 877 of the TET2 protein (p.Asp877Glu). This variant is present in population databases (no rsID available, gnomAD 0.002%). This variant has not been reported in the literature in individuals affected with TET2-related conditions. Algorithms developed to predict the effect of missense changes on protein structure and function output the following: SIFT: "Not Available"; PolyPhen-2: "Benign"; Align-GVGD: "Not Available". The glutamic acid amino acid residue is found in multiple mammalian species, which suggests that this missense change does not adversely affect protein function. In summary, the available evidence is currently insufficient to determine the role of this variant in disease. Therefore, it has been classified as a Variant of Uncertain Significance.